The following is an entry in ClinVar:

ClinVar aggregate classification (germline): Likely pathogenic (1 of 4 stars; one submission).

Conditions:
Aicardi-Goutieres syndrome 6 (AGS6). Identifiers: Orphanet 51, MedGen C3539013, MONDO:0014007, OMIM 615010.

Submission:

Variantyx, Inc.
Classification: Likely pathogenic for Aicardi-Goutieres syndrome 6. Last evaluated: 2025-08-19. Review status: criteria provided, single submitter. Criteria: Variantyx Assertion Criteria 2022. Collection method: clinical testing. Allele origin: de novo. Inheritance: Autosomal recessive inheritance. Affected: yes.
Comment: This is a canonical splicing variant in the ADAR gene (OMIM: 146920). Pathogenic variants in this gene have been associated with autosomal dominant and autosomal recessive ADAR-related type 1 interferonopathy. Loss of function is a known disease mechanism for ADAR in this disorder (PMID: 26275108, 29022589, 34772697). Splicing studies suggest exon skipping in a proportion of RNA species (PVS1_Strong). This variant is absent from control populations (PM2). Heterozygous loss of function variants were reported in patients with dyschromatosis symmetrica hereditaria (PMID: 25982145, 18705826, 24262145, 12916015), whereas patients with autosomal dominant neurological manifestations were predominantly reported with the missense p.Gly1007Arg (PMID: 23001123, 28561207, 32911246). Loss of function variants associated with autosomal recessive Aicardi-Goutieres syndrome were found in the compound heterozygous state with missense variants (PMID: 23001123, 28561207, 32911246). Based on the current evidence, this variant is classified as likely pathogenic for autosomal dominant and autosomal recessive ADAR-related type 1 interferonopathy.

Literature cited by the submitters: PubMed 22974014.

NM_001111.5(ADAR):c.2270+1G>A

Gene: ADAR (adenosine deaminase RNA specific; minus strand). Cytogenetic location: 1q21.3.
Variant type: single nucleotide variant.
Coding change: c.2270+1G>A on transcript NM_001111.5 (MANE Select); the canonical splice donor site of the intron after coding-DNA position 2270, G replaced by A.
Molecular consequence: splice donor variant.
Genome position (GRCh38, 1-based): chr1:154,596,804, C>T on the plus strand (G>A on the coding strand, the complement: ADAR is on the minus strand). VCF-style: chr1-154596804-C-T. GRCh37 (hg19) VCF-style: chr1-154569280-C-T.
Other names: c.1385+1G>A (NM_001365046.1, NM_001025107.3, NM_001365048.1 and 3 more transcripts); c.2297+1G>A (NM_001365045.1); c.2213+1G>A (NM_015841.4); c.2270+1G>A (NM_015840.4).
Identifiers: ClinVar variation 4813819 (VCV004813819.1).